The following is an entry in ClinVar:

NM_000264.5(PTCH1):c.1370T>A (p.Met457Lys)

Gene: PTCH1 (patched 1; minus strand). Cytogenetic location: 9q22.32.
Variant type: single nucleotide variant.
Coding change: c.1370T>A on transcript NM_000264.5 (MANE Select); coding-DNA position 1370, T replaced by A.
Protein change: p.Met457Lys; replaces methionine 457 with lysine.
Molecular consequence: missense variant. On other transcripts: non-coding transcript variant (1), intron variant (1).
Genome position (GRCh38, 1-based): chr9:95,477,680, A>T on the plus strand (T>A on the coding strand, the complement: PTCH1 is on the minus strand). VCF-style: chr9-95477680-A-T. GRCh37 (hg19) VCF-style: chr9-98239962-A-T.
Other names: c.1172T>A, p.Met391Lys (NM_001083602.3); c.1367T>A, p.Met456Lys (NM_001083603.3); c.917T>A, p.Met306Lys (NM_001083604.3, NM_001083605.3, NM_001083606.3 and 1 more transcripts); c.1347+375T>A (NM_001354918.2); short protein forms M456K, M391K, M306K, M457K.
Identifiers: ClinVar variation 1771037 (VCV001771037.8), dbSNP rs2118310654, ClinGen allele CA374118640.

ClinVar aggregate classification (germline): Uncertain significance. Review status: criteria provided, multiple submitters, no conflicts (2 of 4 stars). 2 submissions from 2 submitters: Uncertain significance (2). Last evaluated 2024-11-26.

Conditions:
Hereditary cancer-predisposing syndrome. Also called: Tumor predisposition; Neoplastic Syndromes, Hereditary; Hereditary Cancer Syndrome; Hereditary neoplastic syndrome. Identifiers: Orphanet 140162, MedGen C0027672, MeSH D009386, MONDO:0015356.
Gorlin syndrome. Also called: Nevoid Basal Cell Carcinoma Syndrome; Basal cell nevus syndrome. Identifiers: Orphanet 377, MedGen C0004779, MONDO:0007187.

Submissions (2):

Ambry Genetics
Classification: Uncertain significance for Hereditary cancer-predisposing syndrome. Last evaluated: 2024-11-26. Review status: criteria provided, single submitter. Criteria: Ambry Variant Classification Scheme 2023. Collection method: clinical testing. Allele origin: germline.
Comment: The p.M457K variant (also known as c.1370T>A), located in coding exon 10 of the PTCH1 gene, results from a T to A substitution at nucleotide position 1370. The methionine at codon 457 is replaced by lysine, an amino acid with similar properties. This amino acid position is highly conserved in available vertebrate species. In addition, this alteration is predicted to be deleterious by in silico analysis. Based on the available evidence, the clinical significance of this variant remains unclear.

Labcorp Genetics (formerly Invitae), Labcorp
Classification: Uncertain significance for Gorlin syndrome. Last evaluated: 2021-12-31. Review status: criteria provided, single submitter. Criteria: Invitae Variant Classification Sherloc (09022015). Collection method: clinical testing. Allele origin: germline.
Comment: In summary, the available evidence is currently insufficient to determine the role of this variant in disease. Therefore, it has been classified as a Variant of Uncertain Significance. This sequence change replaces methionine, which is neutral and non-polar, with lysine, which is basic and polar, at codon 457 of the PTCH1 protein (p.Met457Lys). This variant is not present in population databases (gnomAD no frequency). This variant has not been reported in the literature in individuals affected with PTCH1-related conditions. Algorithms developed to predict the effect of missense changes on protein structure and function are either unavailable or do not agree on the potential impact of this missense change (SIFT: "Deleterious"; PolyPhen-2: "Possibly Damaging"; Align-GVGD: "Class C0"). Algorithms developed to predict the effect of sequence changes on RNA splicing suggest that this variant may create or strengthen a splice site.